The following is an entry in ClinVar:

NM_031471.6(FERMT3):c.1634C>T (p.Ser545Phe)

Gene: FERMT3 (FERM domain containing kindlin 3; plus strand). Cytogenetic location: 11q13.1.
Variant type: single nucleotide variant.
Coding change: c.1634C>T on transcript NM_031471.6 (MANE Select); coding-DNA position 1634, C replaced by T.
Protein change: p.Ser545Phe; replaces serine 545 with phenylalanine.
Molecular consequence: missense variant.
Genome position (GRCh38, 1-based): chr11:64,221,104, C>T. VCF-style: chr11-64221104-C-T. GRCh37 (hg19) VCF-style: chr11-63988576-C-T.
Other names: c.1634C>T, p.Ser545Phe (NM_001382361.1, NM_001382448.1); c.1646C>T, p.Ser549Phe (NM_001382362.1, NM_178443.3); c.1094C>T, p.Ser365Phe (NM_001382363.1); c.1106C>T, p.Ser369Phe (NM_001382364.1); short protein forms S369F, S545F, S549F, S365F.
Identifiers: ClinVar variation 2001103 (VCV002001103.4), dbSNP rs2496032359, ClinGen allele CA381088879.

ClinVar aggregate classification (germline): Uncertain significance (1 of 4 stars; one submission).

Conditions:
Leukocyte adhesion deficiency 3. Also called: Leukocyte adhesion deficiency, type III; INTEGRIN ACTIVATION DEFICIENCY DISEASE; LEUKOCYTE ADHESION DEFICIENCY 1 VARIANT. Identifiers: Orphanet 2968, Orphanet 99844, MedGen C2748536, MONDO:0013016, OMIM 612840.

Submission:

Labcorp Genetics (formerly Invitae), Labcorp
Classification: Uncertain significance for Leukocyte adhesion deficiency 3. Last evaluated: 2022-05-30. Review status: criteria provided, single submitter. Criteria: Invitae Variant Classification Sherloc (09022015). Collection method: clinical testing. Allele origin: germline.
Comment: In summary, the available evidence is currently insufficient to determine the role of this variant in disease. Therefore, it has been classified as a Variant of Uncertain Significance. Algorithms developed to predict the effect of missense changes on protein structure and function are either unavailable or do not agree on the potential impact of this missense change (SIFT: "Deleterious"; PolyPhen-2: "Probably Damaging"; Align-GVGD: "Class C15"). This variant has not been reported in the literature in individuals affected with FERMT3-related conditions. This variant is not present in population databases (gnomAD no frequency). This sequence change replaces serine, which is neutral and polar, with phenylalanine, which is neutral and non-polar, at codon 545 of the FERMT3 protein (p.Ser545Phe).